The following is an entry in ClinVar:

NM_006502.3(POLH):c.*2659T>C

Gene: POLH (DNA polymerase eta; plus strand). Cytogenetic location: 6p21.1.
Variant type: single nucleotide variant.
Coding change: c.*2659T>C on transcript NM_006502.3 (MANE Select); 2659 bases downstream of the stop codon, T replaced by C.
Molecular consequence: 3 prime UTR variant.
Genome position (GRCh38, 1-based): chr6:43,617,216, T>C. VCF-style: chr6-43617216-T-C. GRCh37 (hg19) VCF-style: chr6-43584953-T-C.
Other names: c.*2659T>C (NM_001291969.2); c.*3485T>C (NM_001291970.2).
Identifiers: ClinVar variation 356968 (VCV000356968.7), dbSNP rs9462906, ClinGen allele CA10624051.

ClinVar aggregate classification (germline): Benign (1 of 4 stars; one submission).

Conditions:
Xeroderma pigmentosum variant type. Also called: POLH-Related Xeroderma Pigmentosum; PHOTOSENSITIVITY WITH DEFECTIVE DNA SYNTHESIS; XERODERMA PIGMENTOSUM WITH NORMAL DNA REPAIR RATES. Identifiers: Orphanet 90342, MedGen C1848410, MONDO:0010214, OMIM 278750.

Allele frequency attached by ClinVar (database versions not stated): 1000 Genomes Project 0.01717; 1000 Genomes Project 30x 0.01811; TOPMed 0.01904; gnomAD 0.01968.
gnomAD v4.1: 2,803 of 152,154 alleles (1.8%); highest among the groups gnomAD compares: African/African-American, 6.3%; 103 homozygotes.

Submission:

Illumina Laboratory Services, Illumina
Classification: Benign for Xeroderma pigmentosum variant type. Last evaluated: 2018-01-12. Review status: criteria provided, single submitter. Criteria: ICSL Variant Classification Criteria 13 December 2019. Collection method: clinical testing. Allele origin: germline.
Comment: This variant was observed in the ICSL laboratory as part of a predisposition screen in an ostensibly healthy population. It had not been previously curated by ICSL or reported in the Human Gene Mutation Database (HGMD: prior to June 1st, 2018), and was therefore a candidate for classification through an automated scoring system. Utilizing variant allele frequency, disease prevalence and penetrance estimates, and inheritance mode, an automated score was calculated to assess if this variant is too frequent to cause the disease. Based on the score and internal cut-off values, a variant classified as benign is not then subjected to further curation. The score for this variant resulted in a classification of benign for this disease.